The following is an entry in ClinVar:

NM_153209.4(KIF19):c.897C>T (p.Arg299=)

Gene: KIF19 (kinesin family member 19; plus strand). Cytogenetic location: 17q25.1.
Variant type: single nucleotide variant.
Coding change: c.897C>T on transcript NM_153209.4 (MANE Select); coding-DNA position 897, C replaced by T.
Protein change: p.Arg299=; no amino-acid change (arginine 299 retained).
Molecular consequence: synonymous variant.
Genome position (GRCh38, 1-based): chr17:74,346,497, C>T. VCF-style: chr17-74346497-C-T. GRCh37 (hg19) VCF-style: chr17-72342636-C-T.
Identifiers: ClinVar variation 2648191 (VCV002648191.24), dbSNP rs189039256, ClinGen allele CA8746282.

ClinVar aggregate classification (germline): Benign (1 of 4 stars; one submission).

Allele frequency attached by ClinVar (database versions not stated): gnomAD 0.00032; ExAC 0.00037; TOPMed 0.00042; 1000 Genomes Project 30x 0.00047; 1000 Genomes Project 0.00060.
gnomAD v4.1: 579 of 1,551,338 alleles (0.037%); highest among the groups gnomAD compares: Middle Eastern, 0.48%; no homozygotes.

Submission:

CeGaT Center for Human Genetics Tuebingen
Classification: Benign. Last evaluated: 2022-08-01. Review status: criteria provided, single submitter. Criteria: CeGaT Center For Human Genetics Tuebingen Variant Classification Criteria Version 2. Collection method: clinical testing. Allele origin: germline. Affected: yes. Observed: 1 variant allele.
Comment: KIF19: BS1, BS2